The following is an entry in ClinVar:

NM_001365951.3(KIF1B):c.4832A>G (p.Asp1611Gly)

Gene: KIF1B (kinesin family member 1B; plus strand). Cytogenetic location: 1p36.22.
Variant type: single nucleotide variant.
Coding change: c.4832A>G on transcript NM_001365951.3 (MANE Select); coding-DNA position 4832, A replaced by G.
Protein change: p.Asp1611Gly; replaces aspartic acid 1611 with glycine.
Molecular consequence: missense variant.
Genome position (GRCh38, 1-based): chr1:10,371,148, A>G. VCF-style: chr1-10371148-A-G. GRCh37 (hg19) VCF-style: chr1-10431206-A-G.
Other names: c.4832A>G, p.Asp1611Gly (NM_001365952.1); c.4694A>G, p.Asp1565Gly (NM_015074.3); short protein forms D1565G, D1611G.
Identifiers: ClinVar variation 2624430 (VCV002624430.2), dbSNP rs1638721132, ClinGen allele CA338327173.

ClinVar aggregate classification (germline): Uncertain significance (1 of 4 stars; one submission).

Submission:

Ambry Genetics
Classification: Uncertain significance. Last evaluated: 2023-08-30. Review status: criteria provided, single submitter. Criteria: Ambry Variant Classification Scheme 2023. Collection method: clinical testing. Allele origin: germline.
Comment: The p.D1565G variant (also known as c.4694A>G), located in coding exon 42 of the KIF1B gene, results from an A to G substitution at nucleotide position 4694. The aspartic acid at codon 1565 is replaced by glycine, an amino acid with similar properties. This amino acid position is conserved. In addition, the in silico prediction for this alteration is inconclusive. Since supporting evidence is limited at this time, the clinical significance of this alteration remains unclear.